The following is an entry in ClinVar:

NM_015041.3(CLUAP1):c.849G>T (p.Arg283Ser)

Gene: CLUAP1 (clusterin associated protein 1; plus strand). Cytogenetic location: 16p13.3.
Variant type: single nucleotide variant.
Coding change: c.849G>T on transcript NM_015041.3 (MANE Select); coding-DNA position 849, G replaced by T.
Protein change: p.Arg283Ser; replaces arginine 283 with serine.
Molecular consequence: missense variant.
Genome position (GRCh38, 1-based): chr16:3,523,293, G>T. VCF-style: chr16-3523293-G-T. GRCh37 (hg19) VCF-style: chr16-3573293-G-T.
Other names: c.849G>T, p.Arg283Ser (NM_001330454.2); c.351G>T, p.Arg117Ser (NM_024793.3); short protein forms R117S, R283S.
Identifiers: ClinVar variation 1938818 (VCV001938818.5), dbSNP rs769791977, ClinGen allele CA7863854.

ClinVar aggregate classification (germline): Uncertain significance (1 of 4 stars; one submission).

Allele frequency attached by ClinVar (database versions not stated): TOPMed below 0.00001; ExAC 0.00001.
gnomAD v4.1: 3 of 1,611,464 alleles (0.00019%); highest among the groups gnomAD compares: Admixed American, 0.0017%; no homozygotes.

Submission:

Labcorp Genetics (formerly Invitae), Labcorp
Classification: Uncertain significance. Last evaluated: 2022-09-30. Review status: criteria provided, single submitter. Criteria: Invitae Variant Classification Sherloc (09022015). Collection method: clinical testing. Allele origin: germline.
Comment: In summary, the available evidence is currently insufficient to determine the role of this variant in disease. Therefore, it has been classified as a Variant of Uncertain Significance. Advanced modeling of protein sequence and biophysical properties (such as structural, functional, and spatial information, amino acid conservation, physicochemical variation, residue mobility, and thermodynamic stability) performed at Invitae indicates that this missense variant is not expected to disrupt CLUAP1 protein function. This variant has not been reported in the literature in individuals affected with CLUAP1-related conditions. This variant is present in population databases (rs769791977, gnomAD 0.003%). This sequence change replaces arginine, which is basic and polar, with serine, which is neutral and polar, at codon 283 of the CLUAP1 protein (p.Arg283Ser).